The following is an entry in ClinVar:

NM_138413.4(HOGA1):c.420C>G (p.Tyr140Ter)

Gene: HOGA1 (4-hydroxy-2-oxoglutarate aldolase 1; plus strand). Cytogenetic location: 10q24.2.
Variant type: single nucleotide variant.
Coding change: c.420C>G on transcript NM_138413.4 (MANE Select); coding-DNA position 420, C replaced by G.
Protein change: p.Tyr140Ter; replaces tyrosine 140 with a stop codon.
Molecular consequence: nonsense. On other transcripts: intron variant (1).
Genome position (GRCh38, 1-based): chr10:97,599,168, C>G. VCF-style: chr10-97599168-C-G. GRCh37 (hg19) VCF-style: chr10-99358925-C-G.
Other names: c.212-2689C>G (NM_001134670.2); short protein forms Y140*.
Identifiers: ClinVar variation 1361551 (VCV001361551.6), dbSNP rs749899995, ClinGen allele CA377977379.
Genomic context (GRCh38, chr10:97,599,168, plus strand): 5'-GATGACCGTCAGCATGGCCCAGGTCGGGGCTGACGCGGCCATGGTGGTGACCCCTTGCTA[C>G]TATCGTGGCCGCATGAGCAGTGCGGCCCTCATTCACCACTACACCAAGGTGTGTGTGAGG-3'

ClinVar aggregate classification (germline): Pathogenic (1 of 4 stars; one submission).

Submission:

Labcorp Genetics (formerly Invitae), Labcorp
Classification: Pathogenic. Last evaluated: 2021-02-06. Review status: criteria provided, single submitter. Criteria: Invitae Variant Classification Sherloc (09022015). Collection method: clinical testing. Allele origin: germline.
Comment: This sequence change creates a premature translational stop signal (p.Tyr140*) in the HOGA1 gene. It is expected to result in an absent or disrupted protein product. Loss-of-function variants in HOGA1 are known to be pathogenic (PMID: 22391140, 22781098). This variant is not present in population databases (ExAC no frequency). This variant has not been reported in the literature in individuals with HOGA1-related conditions. Algorithms developed to predict the effect of sequence changes on RNA splicing suggest that this variant may create or strengthen a splice site, but this prediction has not been confirmed by published transcriptional studies. For these reasons, this variant has been classified as Pathogenic.

Literature cited by the submitters: PubMed 22391140; PubMed 22781098.